The following is an entry in ClinVar:

NM_017721.5(CC2D1A):c.1969del (p.Met657fs)

Gene: CC2D1A (coiled-coil and C2 domain containing 1A; plus strand). Cytogenetic location: 19p13.12.
Variant type: Deletion.
Coding change: c.1969del on transcript NM_017721.5 (MANE Select); coding-DNA position 1969, one base deleted (A; older notation c.1969delA).
Protein change: p.Met657fs; shifts the reading frame from methionine 657.
Molecular consequence: frameshift variant.
Genome position (GRCh38, 1-based): chr19:13,926,545, A deleted. VCF-style (leftmost placement, unchanged base first): chr19-13926544-CA-C. GRCh37 (hg19) VCF-style: chr19-14037357-CA-C.
Other names: c.1969del, p.Met657fs (NM_001411138.1); short protein forms M657fs.
Identifiers: ClinVar variation 2703274 (VCV002703274.3), dbSNP rs2513131323, ClinGen allele CA2697556312.

ClinVar aggregate classification (germline): Pathogenic (1 of 4 stars; one submission).

Submission:

Labcorp Genetics (formerly Invitae), Labcorp
Classification: Pathogenic. Last evaluated: 2023-12-14. Review status: criteria provided, single submitter. Criteria: Invitae Variant Classification Sherloc (09022015). Collection method: clinical testing. Allele origin: germline.
Comment: This sequence change creates a premature translational stop signal (p.Met657Cysfs*6) in the CC2D1A gene. It is expected to result in an absent or disrupted protein product. Loss-of-function variants in CC2D1A are known to be pathogenic (PMID: 16033914). This variant is not present in population databases (gnomAD no frequency). This variant has not been reported in the literature in individuals affected with CC2D1A-related conditions. For these reasons, this variant has been classified as Pathogenic.

Literature cited by the submitters: PubMed 16033914.